The following is an entry in ClinVar:

ClinVar aggregate classification (germline): Uncertain significance (1 of 4 stars; one submission).

Conditions:
Cohen syndrome (COH1). Also called: PEPPER SYNDROME; Cutis verticis gyrata, retinitis pigmentosa, and sensorineural deafness. Identifiers: Orphanet 193, MedGen C0265223, MONDO:0008999, OMIM 216550.

Submission:

Labcorp Genetics (formerly Invitae), Labcorp
Classification: Uncertain significance for Cohen syndrome. Last evaluated: 2022-07-26. Review status: criteria provided, single submitter. Criteria: Invitae Variant Classification Sherloc (09022015). Collection method: clinical testing. Allele origin: germline.
Comment: In summary, the available evidence is currently insufficient to determine the role of this variant in disease. Therefore, it has been classified as a Variant of Uncertain Significance. Algorithms developed to predict the effect of missense changes on protein structure and function are either unavailable or do not agree on the potential impact of this missense change (SIFT: "Not Available"; PolyPhen-2: "Benign"; Align-GVGD: "Not Available"). ClinVar contains an entry for this variant (Variation ID: 859465). This variant has not been reported in the literature in individuals affected with VPS13B-related conditions. This variant is not present in population databases (gnomAD no frequency). This sequence change replaces phenylalanine, which is neutral and non-polar, with leucine, which is neutral and non-polar, at codon 2936 of the VPS13B protein (p.Phe2936Leu).

NM_152564.5(VPS13B):c.8733C>A (p.Phe2911Leu)

Gene: VPS13B (vacuolar protein sorting 13 homolog B; plus strand). Cytogenetic location: 8q22.2.
Variant type: single nucleotide variant.
Coding change: c.8733C>A on transcript NM_152564.5 (MANE Select); coding-DNA position 8733, C replaced by A.
Protein change: p.Phe2911Leu; replaces phenylalanine 2911 with leucine.
Molecular consequence: missense variant.
Genome position (GRCh38, 1-based): chr8:99,819,523, C>A. VCF-style: chr8-99819523-C-A. GRCh37 (hg19) VCF-style: chr8-100831751-C-A.
Other names: c.8808C>A, p.Phe2936Leu (NM_017890.5); short protein forms F2936L, F2911L.
Identifiers: ClinVar variation 859465 (VCV000859465.9), dbSNP rs1027859307, ClinGen allele CA371776477.
Genomic context (GRCh38, chr8:99,819,523, plus strand): 5'-TAAGCAAATAGCCACTAAGGTACACCCTGGAGGCACAGTTAATCAGATCCTTGACGAATT[C>A]TATGGGCCAGAAAAGTCGCTTCAACCCATATGGCCCTATAATAAGAAGGATTCTGACAGG-3'
Protein context (NP_689777.3, residues 2901-2921): GGTVNQILDE[Phe2911Leu]YGPEKSLQPI